The following is an entry in ClinVar:

ClinVar aggregate classification (germline): Uncertain significance. Review status: criteria provided, multiple submitters, no conflicts (2 of 4 stars). 2 submissions from 2 submitters: Uncertain significance (2). Last evaluated 2024-05-14.

Conditions:
Imerslund-Grasbeck syndrome type 1 (IGS1). Also called: Megaloblastic anemia 1, Finnish type; Imerslund-Gräsbeck syndrome 1; MEGALOBLASTIC ANEMIA, 1. Identifiers: MedGen C4016819, MONDO:0100156, OMIM 261100.
Proteinuria, chronic benign. Identifiers: MedGen C5394384, MONDO:0030042, OMIM 618884.
Imerslund-Grasbeck syndrome. Also called: ENTEROCYTE COBALAMIN MALABSORPTION; ENTEROCYTE INTRINSIC FACTOR RECEPTOR, DEFECT OF; PERNICIOUS ANEMIA, JUVENILE, DUE TO SELECTIVE INTESTINAL MALABSORPTION OF VITAMIN B12, WITH PROTEINURIA; Megaloblastic anemia due to inborn errors of metabolism; Imerslund-Gräsbeck syndrome. Identifiers: Orphanet 35858, MedGen C4551825, MONDO:0009853.

Allele frequency attached by ClinVar (database versions not stated): TOPMed 0.00002; gnomAD exomes 0.00001; gnomAD 0.00001.
gnomAD v4.1: 14 of 1,613,776 alleles (0.00087%); highest among the groups gnomAD compares: Admixed American, 0.01%; no homozygotes.

Submissions (2):

Fulgent Genetics
Classification: Uncertain significance for Imerslund-Grasbeck syndrome type 1; Proteinuria, chronic benign. Last evaluated: 2024-05-14. Review status: criteria provided, single submitter. Criteria: ACMG Guidelines, 2015. Collection method: clinical testing. Allele origin: germline.

Labcorp Genetics (formerly Invitae), Labcorp
Classification: Uncertain significance for Imerslund-Grasbeck syndrome. Last evaluated: 2023-07-13. Review status: criteria provided, single submitter. Criteria: Invitae Variant Classification Sherloc (09022015). Collection method: clinical testing. Allele origin: germline.
Comment: Advanced modeling of protein sequence and biophysical properties (such as structural, functional, and spatial information, amino acid conservation, physicochemical variation, residue mobility, and thermodynamic stability) performed at Invitae indicates that this missense variant is not expected to disrupt CUBN protein function. In summary, the available evidence is currently insufficient to determine the role of this variant in disease. Therefore, it has been classified as a Variant of Uncertain Significance. This variant has not been reported in the literature in individuals affected with CUBN-related conditions. This variant is present in population databases (no rsID available, gnomAD 0.006%). This sequence change replaces serine, which is neutral and polar, with isoleucine, which is neutral and non-polar, at codon 2178 of the CUBN protein (p.Ser2178Ile).

NM_001081.4(CUBN):c.6533G>T (p.Ser2178Ile)

Gene: CUBN (cubilin; minus strand). Cytogenetic location: 10p13.
Variant type: single nucleotide variant.
Coding change: c.6533G>T on transcript NM_001081.4 (MANE Select); coding-DNA position 6533, G replaced by T.
Protein change: p.Ser2178Ile; replaces serine 2178 with isoleucine.
Molecular consequence: missense variant.
Genome position (GRCh38, 1-based): chr10:16,925,354, C>A on the plus strand (G>T on the coding strand, the complement: CUBN is on the minus strand). VCF-style: chr10-16925354-C-A. GRCh37 (hg19) VCF-style: chr10-16967353-C-A.
Other names: short protein forms S2178I.
Identifiers: ClinVar variation 2720319 (VCV002720319.3), dbSNP rs1298208991, ClinGen allele CA376150870.